The following is an entry in ClinVar:

ClinVar aggregate classification (germline): Uncertain significance (1 of 4 stars; one submission).

Conditions:
Hereditary cancer-predisposing syndrome. Also called: Neoplastic Syndromes, Hereditary; Tumor predisposition; Hereditary neoplastic syndrome; Hereditary Cancer Syndrome. Identifiers: Orphanet 140162, MedGen C0027672, MeSH D009386, MONDO:0015356.

Submission:

Ambry Genetics
Classification: Uncertain significance for Hereditary cancer-predisposing syndrome. Last evaluated: 2023-12-26. Review status: criteria provided, single submitter. Criteria: Ambry Variant Classification Scheme 2023. Collection method: clinical testing. Allele origin: germline.
Comment: The p.K1881E variant (also known as c.5641A>G), located in coding exon 10 of the BRCA2 gene, results from an A to G substitution at nucleotide position 5641. The lysine at codon 1881 is replaced by glutamic acid, an amino acid with similar properties. This amino acid position is not well conserved in available vertebrate species. In addition, this alteration is predicted to be tolerated by in silico analysis. Since supporting evidence is limited at this time, the clinical significance of this alteration remains unclear.

NM_000059.4(BRCA2):c.5641A>G (p.Lys1881Glu)

Gene: BRCA2 (BRCA2 DNA repair associated; plus strand). Cytogenetic location: 13q13.1.
Variant type: single nucleotide variant.
Coding change: c.5641A>G on transcript NM_000059.4 (MANE Select); coding-DNA position 5641, A replaced by G.
Protein change: p.Lys1881Glu; replaces lysine 1881 with glutamic acid.
Molecular consequence: missense variant. On other transcripts: non-coding transcript variant (1), intron variant (2).
Genome position (GRCh38, 1-based): chr13:32,339,996, A>G. VCF-style: chr13-32339996-A-G. GRCh37 (hg19) VCF-style: chr13-32914133-A-G.
Other names: c.5641A>G, p.Lys1881Glu (NM_001406719.1, NM_001406720.1); c.1910-4562A>G (NM_001406721.1); c.425-4562A>G (NM_001406722.1); short protein forms K1881E.
Identifiers: ClinVar variation 3227526 (VCV003227526.1), dbSNP rs2137519444, ClinGen allele CA387786145.
Genomic context (GRCh38, chr13:32,339,996, plus strand): 5'-AAAGTGAAAGACATATTTACAGACAGTTTCAGTAAAGTAATTAAGGAAAACAACGAGAAT[A>G]AATCAAAAATTTGCCAAACGAAAATTATGGCAGGTTGTTACGAGGCATTGGATGATTCAG-3'
Protein context (NP_000050.3, residues 1871-1891): SKVIKENNEN[Lys1881Glu]SKICQTKIMA